The following is an entry in ClinVar:

ClinVar aggregate classification (germline): Uncertain significance. Review status: criteria provided, multiple submitters, no conflicts (2 of 4 stars). 2 submissions from 2 submitters: Uncertain significance (2). Last evaluated 2025-04-27.

Conditions:
ABCB4-related disorder. Also called: ABCB4-related disorders; ABCB4-related condition.

Submissions (2):

PreventionGenetics, part of Exact Sciences
Classification: Uncertain significance for ABCB4-related condition. Last evaluated: 2025-04-27. Review status: criteria provided, single submitter. Criteria: ACMG Guidelines, 2015. Collection method: clinical testing. Allele origin: germline.
Comment: The ABCB4 c.102G>T variant is not predicted to result in an amino acid change (p.=). To our knowledge, this variant has not been reported in the literature or in a large population database (gnomAD), indicating this variant is rare. At this time, the clinical significance of this variant is uncertain due to the absence of conclusive functional and genetic evidence.

Eurofins Ntd Llc (ga)
Classification: Uncertain significance. Last evaluated: 2018-01-12. Review status: criteria provided, single submitter. Criteria: EGL Classification Definitions 2015. Collection method: clinical testing. Allele origin: germline. Observed: 2 variant alleles, 2 heterozygotes.

NM_000443.4(ABCB4):c.102G>T (p.Thr34=)

Gene: ABCB4 (ATP binding cassette subfamily B member 4; minus strand). Cytogenetic location: 7q21.12.
Variant type: single nucleotide variant.
Coding change: c.102G>T on transcript NM_000443.4 (MANE Select); coding-DNA position 102, G replaced by T.
Protein change: p.Thr34=; no amino-acid change (threonine 34 retained).
Molecular consequence: synonymous variant.
Genome position (GRCh38, 1-based): chr7:87,472,654, C>A on the plus strand (G>T on the coding strand, the complement: ABCB4 is on the minus strand). VCF-style: chr7-87472654-C-A. GRCh37 (hg19) VCF-style: chr7-87101970-C-A.
Other names: c.102G>T, p.Thr34= (NM_018849.3, NM_018850.3); c.102G>T (NM_000443.3).
Identifiers: ClinVar variation 595758 (VCV000595758.8), dbSNP rs1277340029, ClinGen allele CA456356329.
Genomic context (GRCh38, chr7:87,472,654, plus strand): 5'-ATTCACATTTAACATTTCACAGCTTACCAATGTTAATACTCCAATCATTTTCACTGTCTT[C>A]GTTTTTTTCCTTTTTTGTTTGCTGTAAAAAATAGAATTGCTTCAATTTAAAACTGTTACA-3'
Protein context (NP_000434.1, residues 24-44): GISSKQKRKK[Thr34=]KTVKMIGVLT